The following is an entry in ClinVar:

NC_000023.10:g.(?_129263336)_(129299816_?)dup

Gene: AIFM1 (apoptosis inducing factor mitochondria associated 1; minus strand). Cytogenetic location: Xq26.1.
Variant type: Duplication.
Identifiers: ClinVar variation 3907133 (VCV003907133.2).

ClinVar aggregate classification (germline): Uncertain significance (1 of 4 stars; one submission).

Submission:

Women's Health and Genetics/Laboratory Corporation of America, LabCorp
Classification: Uncertain significance. Last evaluated: 2026-03-02. Review status: criteria provided, single submitter. Criteria: LabCorp Variant Classification Summary - May 2015. Collection method: clinical testing. Allele origin: germline.
Comment: Variant summary: The variant involves the duplication of exons 1-16 in the AIFM1 gene. A presumed nomenclature of c.(?_-186)_(*196_?)dup has been designated for the purposes of this classification. This duplication includes the entire coding sequence of the gene. As exact breakpoints are unknown, it may extend beyond the annotated region of the gene, to include other flanking genes. The variant was absent in 16120 control chromosomes. The available data on variant occurrences in the general population are insufficient to allow any conclusion about variant significance. To our knowledge, no occurrence of c.(?_-186)_(*196_?)dup in individuals affected with AIFM1-related conditions and no experimental evidence demonstrating its impact on protein function have been reported. ClinVar contains an entry for this variant (Variation ID: 2425039). Based on the evidence outlined above, the variant was classified as uncertain significance.